The following is an entry in ClinVar:

ClinVar aggregate classification (germline): Benign/Likely benign. Review status: criteria provided, multiple submitters, no conflicts (2 of 4 stars). 7 submissions from 7 submitters: Benign (1); Likely benign (5). 1 of the submissions does not count toward it. Last evaluated 2026-05-04.

Conditions:
ALDH7A1-related disorder. Also called: ALDH7A1-related condition.
Inborn genetic diseases. Identifiers: MedGen C0950123, MeSH D030342.
Pyridoxine-dependent epilepsy (EPEO4). Also called: Pyridoxine-Dependent Seizures; Pyridoxine-Dependent Epilepsy - ALDH7A1; EPILEPSY, EARLY-ONSET, 4, VITAMIN B6-DEPENDENT; PYRIDOXINE DEPENDENCY WITH SEIZURES. Identifiers: Orphanet 3006, MedGen C1849508, MONDO:0009945, OMIM 266100. Disease mechanism: loss of function.

Allele frequency attached by ClinVar (database versions not stated): ESP Exome Variant Server 0.00038; TOPMed 0.00038; gnomAD 0.00041 and 0.00042; ExAC 0.00052; gnomAD exomes 0.00054 and 0.00072.
gnomAD v4.1: 1,127 of 1,614,152 alleles (0.07%); highest among the groups gnomAD compares: Non-Finnish European, 0.079%; no homozygotes.

Submissions (7):

Women's Health and Genetics/Laboratory Corporation of America, LabCorp
Classification: Likely benign. Last evaluated: 2026-05-04. Review status: criteria provided, single submitter. Criteria: LabCorp Variant Classification Summary - May 2015. Collection method: clinical testing. Allele origin: germline.

Labcorp Genetics (formerly Invitae), Labcorp
Classification: Likely benign for Pyridoxine-dependent epilepsy. Last evaluated: 2026-02-02. Review status: criteria provided, single submitter. Criteria: Invitae Variant Classification Sherloc (09022015). Collection method: clinical testing. Allele origin: germline.

CeGaT Center for Human Genetics Tuebingen
Classification: Likely benign. Last evaluated: 2025-08-01. Review status: criteria provided, single submitter. Criteria: CeGaT Center For Human Genetics Tuebingen Variant Classification Criteria Version 2. Collection method: clinical testing. Allele origin: germline. Affected: yes. Observed: 2 variant alleles.
Comment: ALDH7A1: BP4, BP7

Blueprint Genetics
Classification: Likely benign. Last evaluated: 2024-11-18. Review status: criteria provided, single submitter. Criteria: ACMG Guidelines, 2015. Collection method: clinical testing. Allele origin: germline.

Ambry Genetics
Classification: Likely benign for Inborn genetic diseases. Last evaluated: 2016-10-14. Review status: criteria provided, single submitter. Criteria: Ambry Variant Classification Scheme 2023. Collection method: clinical testing. Allele origin: germline.

GeneDx
Classification: Benign. Last evaluated: 2013-12-26. Review status: criteria provided, single submitter. Criteria: GeneDx Variant Classification (06012015). Collection method: clinical testing. Allele origin: germline. Affected: yes.
Comment: This variant is considered likely benign or benign based on one or more of the following criteria: it is a conservative change, it occurs at a poorly conserved position in the protein, it is predicted to be benign by multiple in silico algorithms, and/or has population frequency not consistent with disease.

PreventionGenetics, part of Exact Sciences
Classification: Likely benign for ALDH7A1-related condition. Last evaluated: 2021-06-02. Review status: no assertion criteria provided. Collection method: clinical testing. Allele origin: germline. Not counted in ClinVar's aggregate classification.
Comment: This variant is classified as likely benign based on ACMG/AMP sequence variant interpretation guidelines (Richards et al. 2015 PMID: 25741868, with internal and published modifications).

NM_001182.5(ALDH7A1):c.615C>T (p.Asn205=)

Gene: ALDH7A1 (aldehyde dehydrogenase 7 family member A1; minus strand). Cytogenetic location: 5q23.2.
Variant type: single nucleotide variant.
Coding change: c.615C>T on transcript NM_001182.5 (MANE Select); coding-DNA position 615, C replaced by T.
Protein change: p.Asn205=; no amino-acid change (asparagine 205 retained).
Molecular consequence: synonymous variant.
Genome position (GRCh38, 1-based): chr5:126,577,114, G>A on the plus strand (C>T on the coding strand, the complement: ALDH7A1 is on the minus strand). VCF-style: chr5-126577114-G-A. GRCh37 (hg19) VCF-style: chr5-125912806-G-A.
Other names: p.N205N:AAC>AAT; c.531C>T, p.Asn177= (NM_001201377.2); c.615C>T, p.Asn205= (NM_001202404.2).
Identifiers: ClinVar variation 136368 (VCV000136368.47), dbSNP rs369380330, ClinGen allele CA289404.